The following is an entry in ClinVar:

ClinVar aggregate classification (germline): Uncertain significance (1 of 4 stars; one submission).

Conditions:
EGFR-related lung cancer (EGFR). Identifiers: MedGen CN130014.

Allele frequency attached by ClinVar (database versions not stated): TOPMed below 0.00001.

Submission:

Labcorp Genetics (formerly Invitae), Labcorp
Classification: Uncertain significance for EGFR-related lung cancer. Last evaluated: 2024-04-04. Review status: criteria provided, single submitter. Criteria: Invitae Variant Classification Sherloc (09022015). Collection method: clinical testing. Allele origin: germline.
Comment: This sequence change replaces serine, which is neutral and polar, with cysteine, which is neutral and slightly polar, at codon 350 of the EGFR protein (p.Ser350Cys). This variant is not present in population databases (gnomAD no frequency). This variant has not been reported in the literature in individuals affected with EGFR-related conditions. ClinVar contains an entry for this variant (Variation ID: 1003305). Advanced modeling of protein sequence and biophysical properties (such as structural, functional, and spatial information, amino acid conservation, physicochemical variation, residue mobility, and thermodynamic stability) performed at Invitae indicates that this missense variant is not expected to disrupt EGFR protein function with a negative predictive value of 80%. In summary, the available evidence is currently insufficient to determine the role of this variant in disease. Therefore, it has been classified as a Variant of Uncertain Significance.

NM_005228.5(EGFR):c.1049C>G (p.Ser350Cys)

Genes: EGFR (epidermal growth factor receptor; plus strand), LOC126860048 (P300/CBP strongly-dependent group 1 enhancer GRCh37_chr7:55223847-55225046; plus strand). Cytogenetic location: 7p11.2.
Variant type: single nucleotide variant.
Coding change: c.1049C>G on transcript NM_005228.5 (MANE Select); coding-DNA position 1049, C replaced by G.
Protein change: p.Ser350Cys; replaces serine 350 with cysteine.
Molecular consequence: missense variant.
Genome position (GRCh38, 1-based): chr7:55,156,575, C>G. VCF-style: chr7-55156575-C-G. GRCh37 (hg19) VCF-style: chr7-55224268-C-G.
Other names: c.914C>G, p.Ser305Cys (NM_001346897.2, NM_001346899.2); c.1049C>G, p.Ser350Cys (NM_001346898.2, NM_201282.2, NM_201283.2 and 1 more transcripts); c.890C>G, p.Ser297Cys (NM_001346900.2); c.248C>G, p.Ser83Cys (NM_001346941.2); short protein forms S297C, S305C, S350C, S83C.
Identifiers: ClinVar variation 1003305 (VCV001003305.7), dbSNP rs1785428902, ClinGen allele CA367578279.